The following is an entry in ClinVar:

NM_006767.4(LZTR1):c.1411C>A (p.Arg471Ser)

Gene: LZTR1 (leucine zipper like post translational regulator 1; plus strand). Cytogenetic location: 22q11.21.
Variant type: single nucleotide variant.
Coding change: c.1411C>A on transcript NM_006767.4 (MANE Select); coding-DNA position 1411, C replaced by A.
Protein change: p.Arg471Ser; replaces arginine 471 with serine.
Molecular consequence: missense variant.
Genome position (GRCh38, 1-based): chr22:20,993,981, C>A. VCF-style: chr22-20993981-C-A. GRCh37 (hg19) VCF-style: chr22-21348270-C-A.
Other names: short protein forms R471S.
Identifiers: ClinVar variation 3665803 (VCV003665803.2).

ClinVar aggregate classification (germline): Uncertain significance (1 of 4 stars; one submission).

Submission:

Labcorp Genetics (formerly Invitae), Labcorp
Classification: Uncertain significance. Last evaluated: 2024-09-08. Review status: criteria provided, single submitter. Criteria: Invitae Variant Classification Sherloc (09022015). Collection method: clinical testing. Allele origin: germline.
Comment: This sequence change replaces arginine, which is basic and polar, with serine, which is neutral and polar, at codon 471 of the LZTR1 protein (p.Arg471Ser). This variant is not present in population databases (gnomAD no frequency). This variant has not been reported in the literature in individuals affected with LZTR1-related conditions. Invitae Evidence Modeling of protein sequence and biophysical properties (such as structural, functional, and spatial information, amino acid conservation, physicochemical variation, residue mobility, and thermodynamic stability) indicates that this missense variant is not expected to disrupt LZTR1 protein function with a negative predictive value of 80%. In summary, the available evidence is currently insufficient to determine the role of this variant in disease. Therefore, it has been classified as a Variant of Uncertain Significance.